The following is an entry in ClinVar:

NM_001267550.2(TTN):c.48463G>A (p.Val16155Ile)

Genes: TTN (titin; minus strand), TTN-AS1 (TTN antisense RNA 1; plus strand). Cytogenetic location: 2q31.2.
Variant type: single nucleotide variant.
Coding change: c.48463G>A on transcript NM_001267550.2 (MANE Select); coding-DNA position 48463, G replaced by A.
Protein change: p.Val16155Ile; replaces valine 16155 with isoleucine.
Molecular consequence: missense variant.
Genome position (GRCh38, 1-based): chr2:178,615,482, C>T on the plus strand (G>A on the coding strand, the complement: TTN is on the minus strand). VCF-style: chr2-178615482-C-T. GRCh37 (hg19) VCF-style: chr2-179480209-C-T.
Other names: c.43540G>A, p.Val14514Ile (NM_001256850.1); c.21268G>A, p.Val7090Ile (NM_003319.4); c.40759G>A, p.Val13587Ile (NM_133378.4); c.21643G>A, p.Val7215Ile (NM_133432.3); c.21844G>A, p.Val7282Ile (NM_133437.4); short protein forms V7215I, V13587I, V16155I, V14514I, V7090I, V7282I.
Identifiers: ClinVar variation 4985952 (VCV004985952.1).
Genomic context (GRCh38, chr2:178,615,482, plus strand): 5'-TTAAGAAGATGCTATTGGCTGTTCGATCTCTCCATTTAACATTCTCTGGTGGGTCAGGTA[C>T]CGCTACAACATTTGGAAGAGAGAGTCAGTCTTACACAGGCCACCTATGCAGTTCTCTTCA-3'
Protein context (NP_001254479.2, residues 16145-16165): EPVNMSTPAT[Val16155Ile]PDPPENVKWR

ClinVar aggregate classification (germline): Uncertain significance (1 of 4 stars; one submission).

Conditions:
TTN-related disorder. Also called: TTN-related disorders; TTN-related condition; TTN-related disease.

gnomAD v4.1: 12 of 1,610,786 alleles (0.00074%); highest among the groups gnomAD compares: Admixed American, 0.02%; no homozygotes.

Submission:

PreventionGenetics, part of Exact Sciences
Classification: Uncertain significance for TTN-related condition. Last evaluated: 2026-04-22. Review status: criteria provided, single submitter. Criteria: ACMG Guidelines, 2015. Collection method: clinical testing. Allele origin: germline.
Comment: The TTN c.48463G>A variant is predicted to result in the amino acid substitution p.Val16155Ile. To our knowledge, this variant has not been reported in the literature. This variant is reported in 0.028% of alleles in individuals of Latino descent in gnomAD. At this time, the clinical significance of this variant is uncertain due to the absence of conclusive functional and genetic evidence.